The following is an entry in ClinVar:

ClinVar aggregate classification (germline): Uncertain significance. Review status: criteria provided, multiple submitters, no conflicts (2 of 4 stars). 4 submissions from 4 submitters: Uncertain significance (4). Last evaluated 2025-08-05.

Conditions:
Charcot-Marie-Tooth disease type 2. Also called: Charcot-Marie-Tooth type 2. Identifiers: Orphanet 64746, MedGen C0270914, MONDO:0018993.
Inborn genetic diseases. Identifiers: MedGen C0950123, MeSH D030342.

Allele frequency attached by ClinVar (database versions not stated): gnomAD exomes 0.00001 and 0.00002; TOPMed 0.00001; ExAC 0.00001.
gnomAD v4.1: 26 of 1,613,924 alleles (0.0016%); highest among the groups gnomAD compares: Non-Finnish European, 0.0022%; no homozygotes.

Submissions (4):

Ambry Genetics
Classification: Uncertain significance for Inborn genetic diseases. Last evaluated: 2025-08-05. Review status: criteria provided, single submitter. Criteria: Ambry Variant Classification Scheme 2023. Collection method: clinical testing. Allele origin: germline.

Labcorp Genetics (formerly Invitae), Labcorp
Classification: Uncertain significance for Charcot-Marie-Tooth disease type 2. Last evaluated: 2025-04-28. Review status: criteria provided, single submitter. Criteria: Invitae Variant Classification Sherloc (09022015). Collection method: clinical testing. Allele origin: germline.
Comment: This sequence change replaces threonine, which is neutral and polar, with serine, which is neutral and polar, at codon 55 of the MFN2 protein (p.Thr55Ser). This variant is present in population databases (rs776423551, gnomAD 0.002%). This variant has not been reported in the literature in individuals affected with MFN2-related conditions. ClinVar contains an entry for this variant (Variation ID: 451931). Invitae Evidence Modeling of protein sequence and biophysical properties (such as structural, functional, and spatial information, amino acid conservation, physicochemical variation, residue mobility, and thermodynamic stability) indicates that this missense variant is not expected to disrupt MFN2 protein function with a negative predictive value of 80%. In summary, the available evidence is currently insufficient to determine the role of this variant in disease. Therefore, it has been classified as a Variant of Uncertain Significance.

Athena Diagnostics
Classification: Uncertain significance. Last evaluated: 2024-01-18. Review status: criteria provided, single submitter. Criteria: Athena Diagnostics Criteria. Collection method: clinical testing. Allele origin: unknown.
Comment: Available data are insufficient to determine the clinical significance of the variant at this time. The frequency of this variant in the general population is uninformative in assessment of its pathogenicity. This variant has been seen where an alternate explanation for disease was also identified, suggesting this variant may not cause disease. Computational tools predict that this variant is not damaging.

GeneDx
Classification: Uncertain significance. Last evaluated: 2019-11-19. Review status: criteria provided, single submitter. Criteria: GeneDx Variant Classification Process June 2021. Collection method: clinical testing. Allele origin: germline. Affected: yes.
Comment: Not observed at a significant frequency in large population cohorts (Lek et al., 2016); In silico analysis, which includes protein predictors and evolutionary conservation, supports that this variant does not alter protein structure/function; Has not been previously published as pathogenic or benign to our knowledge

NM_014874.4(MFN2):c.163A>T (p.Thr55Ser)

Gene: MFN2 (mitofusin 2; plus strand). Cytogenetic location: 1p36.22.
Variant type: single nucleotide variant.
Coding change: c.163A>T on transcript NM_014874.4 (MANE Select); coding-DNA position 163, A replaced by T.
Protein change: p.Thr55Ser; replaces threonine 55 with serine.
Molecular consequence: missense variant.
Genome position (GRCh38, 1-based): chr1:11,989,331, A>T. VCF-style: chr1-11989331-A-T. GRCh37 (hg19) VCF-style: chr1-12049388-A-T.
Other names: c.163A>T, p.Thr55Ser (NM_001127660.2); short protein forms T55S.
Identifiers: ClinVar variation 451931 (VCV000451931.14), dbSNP rs776423551, ClinGen allele CA598749.